The following is an entry in ClinVar:

NM_078480.3(PUF60):c.1247A>G (p.Lys416Arg)

Gene: PUF60 (poly(U) binding splicing factor 60; minus strand). Cytogenetic location: 8q24.3.
Variant type: single nucleotide variant.
Coding change: c.1247A>G on transcript NM_078480.3 (MANE Select); coding-DNA position 1247, A replaced by G.
Protein change: p.Lys416Arg; replaces lysine 416 with arginine.
Molecular consequence: missense variant.
Genome position (GRCh38, 1-based): chr8:143,817,043, T>C on the plus strand (A>G on the coding strand, the complement: PUF60 is on the minus strand). VCF-style: chr8-143817043-T-C. GRCh37 (hg19) VCF-style: chr8-144899213-T-C.
Other names: c.1247A>G (NM_078480.2); c.1118A>G, p.Lys373Arg (NM_001136033.3); c.1193A>G, p.Lys398Arg (NM_001271096.2); c.1109A>G, p.Lys370Arg (NM_001271097.2); c.1244A>G, p.Lys415Arg (NM_001271098.2); c.1160A>G, p.Lys387Arg (NM_001271099.2); c.1067A>G, p.Lys356Arg (NM_001271100.2); c.1358A>G, p.Lys453Arg (NM_001362895.2, NM_001362896.2); and 2 more; short protein forms K356R, K399R, K370R, K398R, K416R, K436R, K373R, K453R.
Identifiers: ClinVar variation 3311718 (VCV003311718.3).

ClinVar aggregate classification (germline): Uncertain significance. Review status: criteria provided, multiple submitters, no conflicts (2 of 4 stars). 2 submissions from 2 submitters: Uncertain significance (2). Last evaluated 2025-03-18.

Conditions:
Inborn genetic diseases. Identifiers: MedGen C0950123, MeSH D030342.
PUF60-related disorder. Also called: PUF60-related condition.

gnomAD v4.1: 5 of 1,611,092 alleles (0.00031%); highest among the groups gnomAD compares: Non-Finnish European, 0.00042%; no homozygotes.

Submissions (2):

PreventionGenetics, part of Exact Sciences
Classification: Uncertain significance for PUF60-related condition. Last evaluated: 2025-03-18. Review status: criteria provided, single submitter. Criteria: ACMG Guidelines, 2015. Collection method: clinical testing. Allele origin: germline.
Comment: The PUF60 c.1247A>G variant is predicted to result in the amino acid substitution p.Lys416Arg. To our knowledge, this variant has not been reported in the literature or in a large population database, indicating this variant is rare. At this time, the clinical significance of this variant is uncertain due to the absence of conclusive functional and genetic evidence.

Ambry Genetics
Classification: Uncertain significance for Inborn genetic diseases. Last evaluated: 2024-06-17. Review status: criteria provided, single submitter. Criteria: Ambry Variant Classification Scheme 2023. Collection method: clinical testing. Allele origin: germline.